The following is an entry in ClinVar:

NM_000282.4(PCCA):c.505C>T (p.His169Tyr)

Gene: PCCA (propionyl-CoA carboxylase subunit alpha; plus strand). Cytogenetic location: 13q32.3.
Variant type: single nucleotide variant.
Coding change: c.505C>T on transcript NM_000282.4 (MANE Select); coding-DNA position 505, C replaced by T.
Protein change: p.His169Tyr; replaces histidine 169 with tyrosine.
Molecular consequence: missense variant. On other transcripts: 5 prime UTR variant (3), non-coding transcript variant (5).
Genome position (GRCh38, 1-based): chr13:100,209,368, C>T. VCF-style: chr13-100209368-C-T. GRCh37 (hg19) VCF-style: chr13-100861622-C-T.
Other names: c.427C>T, p.His143Tyr (NM_001352608.2, NM_001127692.3, NM_001352607.2); c.505C>T, p.His169Tyr (NM_001352609.2, NM_001178004.2, NM_001352605.2 and 1 more transcripts); c.-362C>T (NM_001352610.2, NM_001352611.2, NM_001352612.2); c.505C>T (NM_000282.3); short protein forms H169Y, H143Y.
Identifiers: ClinVar variation 2195195 (VCV002195195.3), dbSNP rs765051360, ClinGen allele CA7033253.

ClinVar aggregate classification (germline): Uncertain significance. Review status: criteria provided, multiple submitters, no conflicts (2 of 4 stars). 2 submissions from 2 submitters: Uncertain significance (2). Last evaluated 2023-05-09.

Conditions:
Inborn genetic diseases. Identifiers: MedGen C0950123, MeSH D030342.
Propionic acidemia (PROP). Also called: GLYCINEMIA, KETOTIC; HYPERGLYCINEMIA WITH KETOACIDOSIS AND LEUKOPENIA; KETOTIC HYPERGLYCINEMIA. Identifiers: Orphanet 35, MedGen C0268579, MONDO:0011628, OMIM 606054, HP:0003571.

Allele frequency attached by ClinVar (database versions not stated): ExAC 0.00002; gnomAD 0.00002; TOPMed 0.00002.
gnomAD v4.1: 37 of 1,612,946 alleles (0.0023%); highest among the groups gnomAD compares: Non-Finnish European, 0.0028%; no homozygotes.

Submissions (2):

Ambry Genetics
Classification: Uncertain significance for Inborn genetic diseases. Last evaluated: 2023-05-09. Review status: criteria provided, single submitter. Criteria: Ambry Variant Classification Scheme 2023. Collection method: clinical testing. Allele origin: germline.

Labcorp Genetics (formerly Invitae), Labcorp
Classification: Uncertain significance for Propionic acidemia. Last evaluated: 2021-09-05. Review status: criteria provided, single submitter. Criteria: Invitae Variant Classification Sherloc (09022015). Collection method: clinical testing. Allele origin: germline.
Comment: This sequence change replaces histidine with tyrosine at codon 169 of the PCCA protein (p.His169Tyr). The histidine residue is moderately conserved and there is a moderate physicochemical difference between histidine and tyrosine. This variant is present in population databases (rs765051360, ExAC 0.01%). This variant has not been reported in the literature in individuals affected with PCCA-related conditions. Algorithms developed to predict the effect of missense changes on protein structure and function output the following: SIFT: "Deleterious"; PolyPhen-2: "Benign"; Align-GVGD: "Class C0". The tyrosine amino acid residue is found in multiple mammalian species, which suggests that this missense change does not adversely affect protein function. In summary, the available evidence is currently insufficient to determine the role of this variant in disease. Therefore, it has been classified as a Variant of Uncertain Significance.